The following is an entry in ClinVar:

NM_194293.4(XIRP1):c.1893G>A (p.Lys631=)

Gene: XIRP1 (xin actin binding repeat containing 1; minus strand). Cytogenetic location: 3p22.2.
Variant type: single nucleotide variant.
Coding change: c.1893G>A on transcript NM_194293.4 (MANE Select); coding-DNA position 1893, G replaced by A.
Protein change: p.Lys631=; no amino-acid change (lysine 631 retained).
Molecular consequence: synonymous variant. On other transcripts: intron variant (1).
Genome position (GRCh38, 1-based): chr3:39,187,553, C>T on the plus strand (G>A on the coding strand, the complement: XIRP1 is on the minus strand). VCF-style: chr3-39187553-C-T. GRCh37 (hg19) VCF-style: chr3-39229044-C-T.
Other names: c.1893G>A, p.Lys631= (NM_001198621.4); c.-167-1892G>A (NM_001351377.2).
Identifiers: ClinVar variation 3044495 (VCV003044495.2), dbSNP rs11129816, ClinGen allele CA2326406.
Genomic context (GRCh38, chr3:39,187,553, plus strand): 5'-GACCTGGCTAACCTGCAGGTGCTGCTCCCTGGAGCCCACTGGCCTGTCCACAGGTTGGGG[C>T]TTGAACATCCAGGTGCAGGACTGTGCCTCAGCCTTGGCTGTGGGATCTGTGACCTCTGAC-3'
Protein context (NP_919269.2, residues 621-641): AEAQSCTWMF[Lys631=]PQPVDRPVGS

ClinVar aggregate classification (germline): Benign (0 of 4 stars; one submission).

Conditions:
XIRP1-related disorder. Also called: XIRP1-related condition.

Allele frequency attached by ClinVar (database versions not stated): ESP Exome Variant Server 0.01030; gnomAD 0.01553; gnomAD exomes 0.01614; TOPMed 0.01705; ExAC 0.02578; 1000 Genomes Project 30x 0.02998; 1000 Genomes Project 0.03095.

Submission:

PreventionGenetics, part of Exact Sciences
Classification: Benign for XIRP1-related condition. Last evaluated: 2019-06-14. Review status: no assertion criteria provided. Collection method: clinical testing. Allele origin: germline.
Comment: This variant is classified as benign based on ACMG/AMP sequence variant interpretation guidelines (Richards et al. 2015 PMID: 25741868, with internal and published modifications).